The following is an entry in ClinVar:

ClinVar aggregate classification (germline): Uncertain significance (1 of 4 stars; one submission).

Conditions:
Diabetes insipidus, nephrogenic, X-linked. Also called: Nephrogenic Diabetes Insipidus, Type I. Identifiers: Orphanet 223, MedGen C1563705, MONDO:0010581, OMIM 304800.

Submission:

MVZ Medizinische Genetik Mainz
Classification: Uncertain significance for Diabetes insipidus, nephrogenic, X-linked. Last evaluated: 2023-12-04. Review status: criteria provided, single submitter. Criteria: UK Practice Guidelines For Variant Classification V4 01 2020. Collection method: clinical testing. Allele origin: germline. Inheritance: X-linked dominant inheritance. Affected: yes. Observed: 1 variant allele.
Comment: ACMG Criteria: PM5,PM2_SUP,PP3,PP4

NM_000054.7(AVPR2):c.649C>T (p.Pro217Ser)

Gene: AVPR2 (arginine vasopressin receptor 2; plus strand). Cytogenetic location: Xq28.
Variant type: single nucleotide variant.
Coding change: c.649C>T on transcript NM_000054.7 (MANE Select); coding-DNA position 649, C replaced by T.
Protein change: p.Pro217Ser; replaces proline 217 with serine.
Molecular consequence: missense variant. On other transcripts: non-coding transcript variant (1).
Genome position (GRCh38, 1-based): chrX:153,906,155, C>T. VCF-style: chrX-153906155-C-T. GRCh37 (hg19) VCF-style: chrX-153171609-C-T.
Other names: c.649C>T, p.Pro217Ser (NM_001146151.3); short protein forms P217S.
Identifiers: ClinVar variation 3236179 (VCV003236179.1), dbSNP rs2521157389, ClinGen allele CA415108024.
Genomic context (GRCh38, chrX:153,906,155, plus strand): 5'-GCGGAGCCCTGGGGCCGTCGCACCTATGTCACCTGGATTGCCCTGATGGTGTTCGTGGCA[C>T]CTACCCTGGGTATCGCCGCCTGCCAGGTGCTCATCTTCCGGGAGATTCATGCCAGTCTGG-3'
Protein context (NP_000045.1, residues 207-227): TWIALMVFVA[Pro217Ser]TLGIAACQVL